The following is an entry in ClinVar:

ClinVar aggregate classification (germline): Uncertain significance (1 of 4 stars; one submission).

Conditions:
Hypertrophic cardiomyopathy 19. Also called: Familial hypertrophic cardiomyopathy 19. Identifiers: MedGen CN077603, MONDO:0013476.

gnomAD v4.1: 1 of 1,612,902 alleles (0.000062%); highest among the groups gnomAD compares: Non-Finnish European, 0.000085%; no homozygotes.

Submission:

Labcorp Genetics (formerly Invitae), Labcorp
Classification: Uncertain significance for Familial hypertrophic cardiomyopathy 19. Last evaluated: 2018-12-28. Review status: criteria provided, single submitter. Criteria: Invitae Variant Classification Sherloc (09022015). Collection method: clinical testing. Allele origin: germline.
Comment: This sequence change affects an acceptor splice site in intron 4 of the CALR3 gene. It is expected to disrupt RNA splicing and likely results in an absent or disrupted protein product. This variant is not present in population databases (ExAC no frequency). This variant has not been reported in the literature in individuals with CALR3-related conditions. Algorithms developed to predict the effect of sequence changes on RNA splicing suggest that this variant may disrupt the consensus splice site, but this prediction has not been confirmed by published transcriptional studies. The current clinical and genetic evidence is not sufficient to establish whether loss-of-function variants in CALR3 cause disease. In summary, the available evidence is currently insufficient to determine the role of this variant in disease. Therefore, it has been classified as a Variant of Uncertain Significance.

NM_145046.5(CALR3):c.493-1G>A

Gene: CALR3 (calreticulin 3; minus strand). Cytogenetic location: 19p13.11.
Variant type: single nucleotide variant.
Coding change: c.493-1G>A on transcript NM_145046.5 (MANE Select); the canonical splice acceptor site of the intron before coding-DNA position 493, G replaced by A.
Molecular consequence: splice acceptor variant.
Genome position (GRCh38, 1-based): chr19:16,484,116, C>T on the plus strand (G>A on the coding strand, the complement: CALR3 is on the minus strand). VCF-style: chr19-16484116-C-T. GRCh37 (hg19) VCF-style: chr19-16594927-C-T.
Identifiers: ClinVar variation 647478 (VCV000647478.1), dbSNP rs1599718289, ClinGen allele CA404610386.